The following is an entry in ClinVar:

NM_007294.4(BRCA1):c.5020A>C (p.Ile1674Leu)

Gene: BRCA1 (BRCA1 DNA repair associated; minus strand). Cytogenetic location: 17q21.31.
Variant type: single nucleotide variant.
Coding change: c.5020A>C on transcript NM_007294.4 (MANE Select); coding-DNA position 5020, A replaced by C.
Protein change: p.Ile1674Leu; replaces isoleucine 1674 with leucine.
Molecular consequence: missense variant. On other transcripts: non-coding transcript variant (1).
Genome position (GRCh38, 1-based): chr17:43,067,662, T>G on the plus strand (A>C on the coding strand, the complement: BRCA1 is on the minus strand). VCF-style: chr17-43067662-T-G. GRCh37 (hg19) VCF-style: chr17-41219679-T-G.
Other names: c.4942A>C, p.Ile1648Leu (NM_001407653.1, NM_001407654.1, NM_001407655.1); c.4939A>C, p.Ile1647Leu (NM_001407656.1, NM_001407657.1, NM_001407658.1); c.4936A>C, p.Ile1646Leu (NM_001407659.1, NM_001407660.1, NM_001407661.1 and 2 more transcripts); c.4894A>C, p.Ile1632Leu (NM_001407670.1, NM_001407671.1, NM_001407672.1 and 11 more transcripts); c.4891A>C, p.Ile1631Leu (NM_001407689.1, NM_001407681.1, NM_001407682.1 and 6 more transcripts); c.4888A>C, p.Ile1630Leu (NM_001407690.1, NM_001407691.1); c.4879A>C, p.Ile1627Leu (NM_001407692.1, NM_001407694.1, NM_001407695.1 and 13 more transcripts); c.4876A>C, p.Ile1626Leu (NM_001407734.1, NM_001407735.1, NM_001407736.1 and 21 more transcripts); and 70 more; short protein forms I1627L, I1674L, I1695L, I570L, I1505L, I1547L, I1584L, I1602L.
Identifiers: ClinVar variation 867543 (VCV000867543.3), dbSNP rs1050371477, ClinGen allele CA10591476.
Genomic context (GRCh38, chr17:43,067,662, plus strand): 5'-GTATACCTGTTTTCATAACAACATGAGTAGTCTCTTCAGTAATTAGATTAGTTAAAGTGA[T>G]GTGGTGTTTTCTGGCAAACTTGTACACGAGCATCTGAAATTAAATCAAATATTCCATTAT-3'
Protein context (NP_009225.1, residues 1664-1684): LVYKFARKHH[Ile1674Leu]TLTNLITEET

Conditions:
Breast-ovarian cancer, familial, susceptibility to, 1 (BROVCA1). Also called: BRCA1 Hereditary Breast and Ovarian Cancer; OVARIAN CANCER, SUSCEPTIBILITY TO. Identifiers: Orphanet 145, MedGen C2676676, MONDO:0011450, OMIM 604370. Disease mechanism: loss of function.

Submission:

Brotman Baty Institute, University of Washington
No classification provided (evidence only). Condition: Breast-ovarian cancer, familial 1. Review status: no classification provided. Collection method: in vitro. Allele origin: not applicable. Functional consequence: functionally_normal.
ClinVar note: "not provided" was previously submitted as the classification for the variant. However, the classification appeared to be based only on an observation of functional data so it was converted to no classification on 2025-07-30.